The following is an entry in ClinVar:

NM_005032.7(PLS3):c.321T>A (p.Gly107=)

Gene: PLS3 (plastin 3; plus strand). Cytogenetic location: Xq23.
Variant type: single nucleotide variant.
Coding change: c.321T>A on transcript NM_005032.7 (MANE Select); coding-DNA position 321, T replaced by A.
Protein change: p.Gly107=; no amino-acid change (glycine 107 retained).
Molecular consequence: synonymous variant.
Genome position (GRCh38, 1-based): chrX:115,629,281, T>A. VCF-style: chrX-115629281-T-A. GRCh37 (hg19) VCF-style: chrX-114863593-T-A.
Other names: p.Gly107=; c.321T>A, p.Gly107= (NM_001136025.5); c.240T>A, p.Gly80= (NM_001172335.3); c.255T>A, p.Gly85= (NM_001282337.2); c.186T>A, p.Gly62= (NM_001282338.2).
Identifiers: ClinVar variation 88702 (VCV000088702.14), dbSNP rs140121121, ClinGen allele CA145308.
Genomic context (GRCh38, chrX:115,629,281, plus strand): 5'-TGATATTGCCAAGACCTTCCGCAAAGCAATCAACAGGAAAGAAGGTATTTGTGCTCTGGG[T>A]GGAACTTCAGAGTTGTCCAGCGAAGGAACACAGCATTCTTACTCAGGTAATCATTTTATA-3'
Protein context (NP_005023.2, residues 97-117): INRKEGICAL[Gly107=]GTSELSSEGT

ClinVar aggregate classification (germline): Benign. Review status: criteria provided, multiple submitters, no conflicts (2 of 4 stars). 7 submissions from 7 submitters: Benign (6). 1 of the submissions does not count toward it. Last evaluated 2026-02-01.

Conditions:
Osteogenesis imperfecta (OI). Identifiers: Orphanet 666, MedGen C0029434, MeSH D010013, MONDO:0019019.
Bone mineral density quantitative trait locus 18 (BMND18). Also called: Bone mineral density QTL18, osteoporosis; OSTEOPOROSIS AND OSTEOPOROTIC FRACTURES, SUSCEPTIBILITY TO. Identifiers: Orphanet 391330, MedGen C3806712, OMIM 300910.

Allele frequency attached by ClinVar (database versions not stated): 1000 Genomes Project 0.00609; 1000 Genomes Project 30x 0.00624; TOPMed 0.00889; ESP Exome Variant Server 0.01032; gnomAD 0.01242 and 0.01269; gnomAD exomes 0.01474 and 0.01674; ExAC 0.01508.
gnomAD v4.1: 19,507 of 1,204,373 alleles (1.6%); highest among the groups gnomAD compares: Non-Finnish European, 1.8%; 145 homozygotes.

Submissions (7):

Labcorp Genetics (formerly Invitae), Labcorp
Classification: Benign. Last evaluated: 2026-02-01. Review status: criteria provided, single submitter. Criteria: Invitae Variant Classification Sherloc (09022015). Collection method: clinical testing. Allele origin: germline.

Mayo Clinic Laboratories, Mayo Clinic
Classification: Benign. Last evaluated: 2024-03-07. Review status: criteria provided, single submitter. Criteria: ACMG Guidelines, 2015. Collection method: clinical testing. Allele origin: germline. Observed: 5 variant alleles.

ARUP Laboratories, Molecular Genetics and Genomics, ARUP Laboratories
Classification: Benign for Bone mineral density quantitative trait locus 18. Last evaluated: 2023-10-26. Review status: criteria provided, single submitter. Criteria: ARUP Molecular Germline Variant Investigation Process 2024. Collection method: clinical testing. Allele origin: germline.

Genome Diagnostics Laboratory, The Hospital for Sick Children
Classification: Benign for Osteogenesis imperfecta. Last evaluated: 2022-03-03. Review status: criteria provided, single submitter. Criteria: ACMG Guidelines, 2015. Collection method: clinical testing. Allele origin: germline.

GeneDx
Classification: Benign. Last evaluated: 2018-01-29. Review status: criteria provided, single submitter. Criteria: GeneDx Variant Classification (06012015). Collection method: clinical testing. Allele origin: germline. Affected: yes.
Comment: This variant is considered likely benign or benign based on one or more of the following criteria: it is a conservative change, it occurs at a poorly conserved position in the protein, it is predicted to be benign by multiple in silico algorithms, and/or has population frequency not consistent with disease.

Breakthrough Genomics
Classification: Benign. Review status: criteria provided, single submitter. Criteria: ACMG Guidelines, 2015. Collection method: not provided. Allele origin: germline. Inheritance: X-linked inheritance. Affected: yes.

OMIM
Classification: association for BONE MINERAL DENSITY QUANTITATIVE TRAIT LOCUS 18. Last evaluated: 2013-10-17. Review status: no assertion criteria provided. Collection method: literature only. Allele origin: germline. Not counted in ClinVar's aggregate classification.

Literature cited by the submitters: PubMed 24088043 (cited by OMIM).